The following is an entry in ClinVar:

ClinVar aggregate classification (germline): Pathogenic (1 of 4 stars; one submission).

Allele frequency attached by ClinVar (database versions not stated): gnomAD exomes below 0.00001 and 0.00001; ExAC 0.00001.
gnomAD v4.1: 2 of 1,613,684 alleles (0.00012%); highest among the groups gnomAD compares: South Asian, 0.0022%; no homozygotes.

Submission:

Labcorp Genetics (formerly Invitae), Labcorp
Classification: Pathogenic. Last evaluated: 2021-08-03. Review status: criteria provided, single submitter. Criteria: Invitae Variant Classification Sherloc (09022015). Collection method: clinical testing. Allele origin: germline.
Comment: Algorithms developed to predict the effect of sequence changes on RNA splicing suggest that this variant may disrupt the consensus splice site. For these reasons, this variant has been classified as Pathogenic. Disruption of this splice site has been observed in individual(s) with autosomal recessive deafness (PMID: 30953472). In at least one individual the data is consistent with the variant being in trans (on the opposite chromosome) from a pathogenic variant. This variant is present in population databases (rs777112605, ExAC 0.006%). This sequence change affects an acceptor splice site in intron 13 of the MYO15A gene. It is expected to disrupt RNA splicing. Variants that disrupt the donor or acceptor splice site typically lead to a loss of protein function (PMID: 16199547), and loss-of-function variants in MYO15A are known to be pathogenic (PMID: 17546645).

Literature cited by the submitters: PubMed 30953472; PubMed 16199547; PubMed 17546645.

NM_016239.4(MYO15A):c.4597-2A>G

Gene: MYO15A (myosin XVA; plus strand). Cytogenetic location: 17p11.2.
Variant type: single nucleotide variant.
Coding change: c.4597-2A>G on transcript NM_016239.4 (MANE Select); the canonical splice acceptor site of the intron before coding-DNA position 4597, A replaced by G.
Molecular consequence: splice acceptor variant.
Genome position (GRCh38, 1-based): chr17:18,136,415, A>G. VCF-style: chr17-18136415-A-G. GRCh37 (hg19) VCF-style: chr17-18039729-A-G.
Identifiers: ClinVar variation 1447681 (VCV001447681.6), dbSNP rs777112605, ClinGen allele CA8423960.